The following is an entry in ClinVar:

ClinVar aggregate classification (germline): Uncertain significance (1 of 4 stars; one submission).

Conditions:
Infantile spasms. Also called: Infantile spasm. Identifiers: MedGen C3887898, HP:0012469.

Submission:

Labcorp Genetics (formerly Invitae), Labcorp
Classification: Uncertain significance for Infantile spasms. Last evaluated: 2023-01-20. Review status: criteria provided, single submitter. Criteria: Invitae Variant Classification Sherloc (09022015). Collection method: clinical testing. Allele origin: germline.
Comment: In summary, the available evidence is currently insufficient to determine the role of this variant in disease. Therefore, it has been classified as a Variant of Uncertain Significance. Variants that disrupt the consensus splice site are a relatively common cause of aberrant splicing (PMID: 17576681, 9536098). Algorithms developed to predict the effect of sequence changes on RNA splicing suggest that this variant is not likely to affect RNA splicing. This variant has not been reported in the literature in individuals affected with PIK3AP1-related conditions. This variant is not present in population databases (gnomAD no frequency). This sequence change falls in intron 6 of the PIK3AP1 gene. It does not directly change the encoded amino acid sequence of the PIK3AP1 protein. It affects a nucleotide within the consensus splice site.

Literature cited by the submitters: PubMed 17576681; PubMed 9536098.

NM_152309.3(PIK3AP1):c.988+6T>A

Gene: PIK3AP1 (phosphoinositide-3-kinase adaptor protein 1; minus strand). Cytogenetic location: 10q24.1.
Variant type: single nucleotide variant.
Coding change: c.988+6T>A on transcript NM_152309.3 (MANE Select); 6 bases into the intron after coding-DNA position 988, T replaced by A.
Molecular consequence: intron variant.
Genome position (GRCh38, 1-based): chr10:96,651,242, A>T on the plus strand (T>A on the coding strand, the complement: PIK3AP1 is on the minus strand). VCF-style: chr10-96651242-A-T. GRCh37 (hg19) VCF-style: chr10-98410999-A-T.
Identifiers: ClinVar variation 2830666 (VCV002830666.3), dbSNP rs1172620019, ClinGen allele CA2739275942.
Genomic context (GRCh38, chr10:96,651,242, plus strand): 5'-GGATGCTGAAACCAGCAGGCTAGAATCAGCCCACGTTGGTTTCCTGAGGTTTGACTGTCA[A>T]CTTACTTGTCATCATATCTTCTTCTTCCAGCTGGTTGATTCCAAAGAGGTGCAGTCCGCT-3'